The following is an entry in ClinVar:

ClinVar aggregate classification (germline): Benign/Likely benign. Review status: criteria provided, multiple submitters, no conflicts (2 of 4 stars). 3 submissions from 3 submitters: Benign (2); Likely benign (1). Last evaluated 2022-08-01.

Allele frequency attached by ClinVar (database versions not stated): 1000 Genomes Project 0.00240; 1000 Genomes Project 30x 0.00250; gnomAD 0.00468 and 0.00473; TOPMed 0.00495; ExAC 0.00501; gnomAD exomes 0.00505 and 0.00698; ESP Exome Variant Server 0.00554.
gnomAD v4.1: 10,842 of 1,609,084 alleles (0.67%); highest among the groups gnomAD compares: Non-Finnish European, 0.82%; 42 homozygotes.

Submissions (3):

CeGaT Center for Human Genetics Tuebingen
Classification: Likely benign. Last evaluated: 2022-08-01. Review status: criteria provided, single submitter. Criteria: CeGaT Center For Human Genetics Tuebingen Variant Classification Criteria Version 2. Collection method: clinical testing. Allele origin: germline. Affected: yes. Observed: 2 variant alleles.
Comment: AFF1: BP4

Labcorp Genetics (formerly Invitae), Labcorp
Classification: Benign. Last evaluated: 2018-04-17. Review status: criteria provided, single submitter. Criteria: Invitae Variant Classification Sherloc (09022015). Collection method: clinical testing. Allele origin: germline.

Breakthrough Genomics
Classification: Benign. Review status: criteria provided, single submitter. Criteria: ACMG Guidelines, 2015. Collection method: not provided. Allele origin: germline. Inheritance: Unknown mechanism. Affected: yes.

NM_001166693.3(AFF1):c.1191+8C>T

Gene: AFF1 (ALF transcription elongation factor 1; plus strand). Cytogenetic location: 4q21.3.
Variant type: single nucleotide variant.
Coding change: c.1191+8C>T on transcript NM_001166693.3 (MANE Select); 8 bases into the intron after coding-DNA position 1191, C replaced by T.
Molecular consequence: intron variant.
Genome position (GRCh38, 1-based): chr4:87,090,078, C>T. VCF-style: chr4-87090078-C-T. GRCh37 (hg19) VCF-style: chr4-88011230-C-T.
Other names: c.1170+8C>T (NM_001313959.2, NM_005935.4); c.84+8C>T (NM_001313960.2).
Identifiers: ClinVar variation 713345 (VCV000713345.28), dbSNP rs187382575, ClinGen allele CA2998172.
Genomic context (GRCh38, chr4:87,090,078, plus strand): 5'-CAATACATACGCCTAGTACAGCTGAGCCATCCAAGTTTCCTTTCCCTACAAAGGTAATTC[C>T]TTAAAAGTATGGCAGGCATTGCATCCACCTTAGTGAAAAGCGTAAGGCATTGCTGTGAGG-3'